The following is an entry in ClinVar:

ClinVar aggregate classification (germline): Uncertain significance (1 of 4 stars; one submission).

Submission:

GeneDx
Classification: Uncertain significance. Last evaluated: 2026-03-27. Review status: criteria provided, single submitter. Criteria: GeneDx Variant Classification Process June 2021. Collection method: clinical testing. Allele origin: germline.
Comment: Not observed at significant frequency in large population cohorts (gnomAD); In silico analysis supports that this missense variant has a deleterious effect on protein structure/function; Has not been previously published as pathogenic or benign to our knowledge

NM_205836.3(FBXO38):c.3076C>T (p.His1026Tyr)

Gene: FBXO38 (F-box protein 38; plus strand). Cytogenetic location: 5q32.
Variant type: single nucleotide variant.
Coding change: c.3076C>T on transcript NM_205836.3 (MANE Select); coding-DNA position 3076, C replaced by T.
Protein change: p.His1026Tyr; replaces histidine 1026 with tyrosine.
Molecular consequence: missense variant.
Genome position (GRCh38, 1-based): chr5:148,439,698, C>T. VCF-style: chr5-148439698-C-T. GRCh37 (hg19) VCF-style: chr5-147819261-C-T.
Other names: c.2341C>T, p.His781Tyr (NM_001271723.2); c.2851C>T, p.His951Tyr (NM_030793.5); short protein forms H1026Y, H781Y, H951Y.
Identifiers: ClinVar variation 5017660 (VCV005017660.1).